The following is an entry in ClinVar:

ClinVar aggregate classification (germline): Conflicting classifications of pathogenicity. Review status: criteria provided, conflicting classifications (1 of 4 stars). 5 submissions from 5 submitters: Uncertain significance (1); Likely benign (4). Last evaluated 2026-04-13.

Conditions:
Lymphangiomyomatosis (LAM). Also called: Lymphangioleiomyomatosis; Lymphangioleiomyomatosis, somatic. Identifiers: Orphanet 538, MedGen C0751674, MONDO:0011705, OMIM 606690.
Tuberous sclerosis 2 (TSC2). Identifiers: Orphanet 805, MedGen C1860707, MONDO:0013199, OMIM 613254.
Isolated focal cortical dysplasia type II (FCORD2). Also called: CORTICAL DYSPLASIA OF TAYLOR; Focal cortical dysplasia type II. Identifiers: Orphanet 268994, MedGen C1846385, MONDO:0011818, OMIM 607341, HP:0032051.
Hereditary cancer-predisposing syndrome. Also called: Tumor predisposition; Neoplastic Syndromes, Hereditary; Hereditary Cancer Syndrome; Hereditary neoplastic syndrome. Identifiers: Orphanet 140162, MedGen C0027672, MeSH D009386, MONDO:0015356.

Allele frequency attached by ClinVar (database versions not stated): gnomAD 0.00001 and 0.00002; gnomAD exomes 0.00001 and 0.00002; TOPMed 0.00001; ExAC 0.00003.

Submissions (5):

Ambry Genetics
Classification: Likely benign for Hereditary cancer-predisposing syndrome. Last evaluated: 2026-04-13. Review status: criteria provided, single submitter. Criteria: Ambry Variant Classification Scheme 2023. Collection method: clinical testing. Allele origin: germline.

Labcorp Genetics (formerly Invitae), Labcorp
Classification: Likely benign for Tuberous sclerosis 2. Last evaluated: 2025-12-30. Review status: criteria provided, single submitter. Criteria: Invitae Variant Classification Sherloc (09022015). Collection method: clinical testing. Allele origin: germline.

CeGaT Center for Human Genetics Tuebingen
Classification: Likely benign. Last evaluated: 2025-04-01. Review status: criteria provided, single submitter. Criteria: CeGaT Center For Human Genetics Tuebingen Variant Classification Criteria Version 2. Collection method: clinical testing. Allele origin: germline. Affected: yes. Observed: 1 variant allele.
Comment: TSC2: PP3, BS2

Genome-Nilou Lab
Classification: Likely benign for Tuberous sclerosis 2. Last evaluated: 2021-11-07. Review status: criteria provided, single submitter. Criteria: ACMG Guidelines, 2015. Collection method: clinical testing. Allele origin: germline. Affected: no.

Fulgent Genetics
Classification: Uncertain significance for Lymphangiomyomatosis; Isolated focal cortical dysplasia type II; Tuberous sclerosis 2. Last evaluated: 2018-10-31. Review status: criteria provided, single submitter. Criteria: ACMG Guidelines, 2015. Collection method: clinical testing. Allele origin: unknown.

NM_000548.5(TSC2):c.3226G>A (p.Gly1076Arg)

Gene: TSC2 (TSC complex subunit 2; plus strand). Cytogenetic location: 16p13.3.
Variant type: single nucleotide variant.
Coding change: c.3226G>A on transcript NM_000548.5 (MANE Select); coding-DNA position 3226, G replaced by A.
Protein change: p.Gly1076Arg; replaces glycine 1076 with arginine.
Molecular consequence: missense variant.
Genome position (GRCh38, 1-based): chr16:2,079,370, G>A. VCF-style: chr16-2079370-G-A. GRCh37 (hg19) VCF-style: chr16-2129371-G-A.
Other names: c.3094G>A, p.Gly1032Arg (NM_001077183.3, NM_001370404.1); c.3226G>A, p.Gly1076Arg (NM_001114382.3); c.2986G>A, p.Gly996Arg (NM_001318827.2); c.2950G>A, p.Gly984Arg (NM_001318829.2); c.2494G>A, p.Gly832Arg (NM_001318831.2); c.3127G>A, p.Gly1043Arg (NM_001318832.2); c.3097G>A, p.Gly1033Arg (NM_001363528.2, NM_001370405.1, NM_021055.3); short protein forms G1076R, G1033R, G1043R, G984R, G1032R, G832R, G996R.
Identifiers: ClinVar variation 207742 (VCV000207742.25), dbSNP rs747910305, ClinGen allele CA044834.